The following is an entry in ClinVar:

ClinVar aggregate classification (germline): Pathogenic. Review status: criteria provided, multiple submitters, no conflicts (2 of 4 stars). 2 submissions from 2 submitters: Pathogenic (2). Last evaluated 2020-02-01.

Conditions:
Renal cysts and diabetes syndrome (RCAD). Also called: Familial hypoplastic, glomerulocystic kidney; MATURITY-ONSET DIABETES OF THE YOUNG, TYPE 5. Identifiers: Orphanet 93111, MedGen C0431693, MONDO:0007669, OMIM 137920.

Submissions (2):

Molecular Biology Laboratory, Fundació Puigvert
Classification: Pathogenic for Renal cysts and diabetes syndrome. Last evaluated: 2020-02-01. Review status: criteria provided, single submitter. Criteria: ACMG Guidelines, 2015. Collection method: research. Allele origin: de novo. Affected: yes. Study: KidneyPanel_2020.

Institute of Human Genetics, FAU Erlangen, Friedrich-Alexander-Universität Erlangen-Nürnberg
Classification: Pathogenic for Renal cysts and diabetes syndrome. Last evaluated: 2019-07-06. Review status: criteria provided, single submitter. Criteria: ACMG Guidelines, 2015. Collection method: literature only. Allele origin: germline. Affected: yes.
Comment: This variant and it's classification has been reported by Vasileiou et al. 2019; DOI:10.1101/576918. The variants has previously been reported in PMID:25700310; PMID:16249435; PMID:15068978; PMID:25536396 as "c.490A>C; c.490A>C" with clinical significance Pathogenic. It has been re-classified using InterVar and manual curation as Pathogenic based on PS4 PM1 PM2 PP3 PP5.

Literature cited by the submitters: PubMed 33532864 (cited by Molecular Biology Laboratory, Fundació Puigvert); PubMed 25700310 (cited by Institute of Human Genetics, FAU Erlangen, Friedrich-Alexander-Universität Erlangen-Nürnberg); PubMed 16249435 (cited by Institute of Human Genetics, FAU Erlangen, Friedrich-Alexander-Universität Erlangen-Nürnberg); PubMed 15068978 (cited by Institute of Human Genetics, FAU Erlangen, Friedrich-Alexander-Universität Erlangen-Nürnberg); PubMed 25536396 (cited by Institute of Human Genetics, FAU Erlangen, Friedrich-Alexander-Universität Erlangen-Nürnberg); DOI 10.1101/576918 (cited by Institute of Human Genetics, FAU Erlangen, Friedrich-Alexander-Universität Erlangen-Nürnberg).

NM_000458.4(HNF1B):c.490A>C (p.Lys164Gln)

Gene: HNF1B (HNF1 homeobox B; minus strand). Cytogenetic location: 17q12.
Variant type: single nucleotide variant.
Coding change: c.490A>C on transcript NM_000458.4 (MANE Select); coding-DNA position 490, A replaced by C.
Protein change: p.Lys164Gln; replaces lysine 164 with glutamine.
Molecular consequence: missense variant.
Genome position (GRCh38, 1-based): chr17:37,739,494, T>G on the plus strand (A>C on the coding strand, the complement: HNF1B is on the minus strand). VCF-style: chr17-37739494-T-G. GRCh37 (hg19) VCF-style: chr17-36099485-T-G.
Other names: c.490A>C, p.Lys164Gln (NM_001165923.4, NM_001304286.2); short protein forms K164Q.
Identifiers: ClinVar variation 635685 (VCV000635685.4), dbSNP rs2511828597, ClinGen allele CA398751258.
Genomic context (GRCh38, chr17:37,739,494, plus strand): 5'-ACTTACGTCGGAGGATCTCTCGTTGCTTTCTGACGTACCAGGTGTACAGAGCGGCACGCT[T>G]CTGGGTCTTCATAGGGGTGCCCTTGTTGAGATGCTGGGAGAGGTGCGACTGGTTCAGGCC-3'
Protein context (NP_000449.1, residues 154-174): LNKGTPMKTQ[Lys164Gln]RAALYTWYVR